The following is an entry in ClinVar:

ClinVar aggregate classification (germline): Likely pathogenic (1 of 4 stars; one submission).

Conditions:
Hereditary cancer-predisposing syndrome. Also called: Hereditary Cancer Syndrome; Hereditary neoplastic syndrome; Tumor predisposition; Neoplastic Syndromes, Hereditary. Identifiers: Orphanet 140162, MedGen C0027672, MeSH D009386, MONDO:0015356.

Submission:

Ambry Genetics
Classification: Likely pathogenic for Hereditary cancer-predisposing syndrome. Last evaluated: 2021-03-18. Review status: criteria provided, single submitter. Criteria: Ambry Variant Classification Scheme 2023. Collection method: clinical testing. Allele origin: germline.
Comment: The c.23+2T>A intronic variant results from a T to A substitution two nucleotides after coding exon 1 in the PMS2 gene. This nucleotide position is highly conserved in available vertebrate species. In silico splice site analysis predicts that this alteration will weaken the native splice donor site. Alterations that disrupt the canonical splice site are expected to cause aberrant splicing, resulting in an abnormal protein or a transcript that is subject to nonsense-mediated mRNA decay. As such, this alteration is classified as likely pathogenic.

NM_000535.7(PMS2):c.23+2T>A

Gene: PMS2 (PMS1 homolog 2, mismatch repair system component; minus strand). Cytogenetic location: 7p22.1.
Variant type: single nucleotide variant.
Coding change: c.23+2T>A on transcript NM_000535.7 (MANE Select); the canonical splice donor site of the intron after coding-DNA position 23, T replaced by A.
Molecular consequence: splice donor variant. On other transcripts: 5 prime UTR variant (8).
Genome position (GRCh38, 1-based): chr7:6,008,995, A>T on the plus strand (T>A on the coding strand, the complement: PMS2 is on the minus strand). VCF-style: chr7-6008995-A-T. GRCh37 (hg19) VCF-style: chr7-6048626-A-T.
Other names: c.-516+2T>A (NM_001406899.1); c.23+2T>A (NM_001406866.1, NM_001406885.1, NM_001406886.1 and 11 more transcripts); c.-623+2T>A (NM_001406893.1); c.-571T>A (NM_001322005.2); c.-566T>A (NM_001322009.2, NM_001406897.1); c.-650T>A (NM_001406875.1, NM_001406882.1); c.-817T>A (NM_001406877.1); c.-518T>A (NM_001406894.1); and 19 more.
Identifiers: ClinVar variation 1789279 (VCV001789279.2), dbSNP rs2128865814, ClinGen allele CA366745214.